The following is an entry in ClinVar:

ClinVar aggregate classification (germline): Uncertain significance (1 of 4 stars; one submission).

Conditions:
Inborn genetic diseases. Identifiers: MedGen C0950123, MeSH D030342.

Submission:

Ambry Genetics
Classification: Uncertain significance for Inborn genetic diseases. Last evaluated: 2026-08-29. Review status: criteria provided, single submitter. Criteria: Ambry Variant Classification Scheme 2023. Collection method: clinical testing. Allele origin: germline.
Comment: The p.D372N variant (also known as c.1114G>A), located in coding exon 6 of the ETV6 gene, results from a G to A substitution at nucleotide position 1114. The aspartic acid at codon 372 is replaced by asparagine, an amino acid with highly similar properties. This amino acid position is conserved. In addition, this alteration is predicted to be tolerated by in silico analysis. Based on the available evidence, the clinical significance of this variant remains unclear.

NM_001987.5(ETV6):c.1114G>A (p.Asp372Asn)

Genes: ETV6 (ETS variant transcription factor 6; plus strand), LOC126861452 (CDK7 strongly-dependent group 2 enhancer GRCh37_chr12:12037195-12038394; plus strand). Cytogenetic location: 12p13.2.
Variant type: single nucleotide variant.
Coding change: c.1114G>A on transcript NM_001987.5 (MANE Select); coding-DNA position 1114, G replaced by A.
Protein change: p.Asp372Asn; replaces aspartic acid 372 with asparagine.
Molecular consequence: missense variant. On other transcripts: intron variant (1).
Genome position (GRCh38, 1-based): chr12:11,884,549, G>A. VCF-style: chr12-11884549-G-A. GRCh37 (hg19) VCF-style: chr12-12037483-G-A.
Other names: c.1010-6392G>A (NM_001413917.1); c.1111G>A, p.Asp371Asn (NM_001413913.1); c.1087G>A, p.Asp363Asn (NM_001413914.1); c.850G>A, p.Asp284Asn (NM_001413915.1); short protein forms D284N, D371N, D372N, D363N.
Identifiers: ClinVar variation 5036225 (VCV005036225.1).
Genomic context (GRCh38, chr12:11,884,549, plus strand): 5'-AGCCGGTACGAAAACTTCATCCGATGGGAGGACAAAGAATCCAAAATATTCCGGATAGTG[G>A]ATCCCAACGGACTGGCTCGACTGTGGGGAAACCATAAGGTAAAAGGGCAGCAGATATCTG-3'
Protein context (NP_001978.1, residues 362-382): DKESKIFRIV[Asp372Asn]PNGLARLWGN